The following is an entry in ClinVar:

NM_001845.6(COL4A1):c.679C>T (p.Pro227Ser)

Gene: COL4A1 (collagen type IV alpha 1 chain; minus strand). Cytogenetic location: 13q34.
Variant type: single nucleotide variant.
Coding change: c.679C>T on transcript NM_001845.6 (MANE Select); coding-DNA position 679, C replaced by T.
Protein change: p.Pro227Ser; replaces proline 227 with serine.
Molecular consequence: missense variant.
Genome position (GRCh38, 1-based): chr13:110,208,863, G>A on the plus strand (C>T on the coding strand, the complement: COL4A1 is on the minus strand). VCF-style: chr13-110208863-G-A. GRCh37 (hg19) VCF-style: chr13-110861210-G-A.
Other names: c.679C>T, p.Pro227Ser (NM_001303110.2); short protein forms P227S.
Identifiers: ClinVar variation 2044794 (VCV002044794.4), dbSNP rs1225773808, ClinGen allele CA388725266.

ClinVar aggregate classification (germline): Uncertain significance (1 of 4 stars; one submission).

Submission:

Labcorp Genetics (formerly Invitae), Labcorp
Classification: Uncertain significance. Last evaluated: 2022-07-11. Review status: criteria provided, single submitter. Criteria: Invitae Variant Classification Sherloc (09022015). Collection method: clinical testing. Allele origin: germline.
Comment: This variant has not been reported in the literature in individuals affected with COL4A1-related conditions. This sequence change replaces proline, which is neutral and non-polar, with serine, which is neutral and polar, at codon 227 of the COL4A1 protein (p.Pro227Ser). This variant is not present in population databases (gnomAD no frequency). Advanced modeling of protein sequence and biophysical properties (such as structural, functional, and spatial information, amino acid conservation, physicochemical variation, residue mobility, and thermodynamic stability) performed at Invitae indicates that this missense variant is not expected to disrupt COL4A1 protein function. In summary, the available evidence is currently insufficient to determine the role of this variant in disease. Therefore, it has been classified as a Variant of Uncertain Significance.